The following is an entry in ClinVar:

NM_138420.4(AHNAK2):c.4128C>G (p.Leu1376=)

Gene: AHNAK2 (AHNAK nucleoprotein 2; minus strand). Cytogenetic location: 14q32.33.
Variant type: single nucleotide variant.
Coding change: c.4128C>G on transcript NM_138420.4 (MANE Select); coding-DNA position 4128, C replaced by G.
Protein change: p.Leu1376=; no amino-acid change (leucine 1376 retained).
Molecular consequence: synonymous variant.
Genome position (GRCh38, 1-based): chr14:104,951,323, G>C on the plus strand (C>G on the coding strand, the complement: AHNAK2 is on the minus strand). VCF-style: chr14-104951323-G-C. GRCh37 (hg19) VCF-style: chr14-105417660-G-C.
Other names: c.3828C>G, p.Leu1276= (NM_001350929.2).
Identifiers: ClinVar variation 4821006 (VCV004821006.4).

ClinVar aggregate classification (germline): Likely benign (1 of 4 stars; one submission).

gnomAD v4.1: 22 of 1,069,112 alleles (0.0021%); highest among the groups gnomAD compares: African/African-American, 0.015%; 3 homozygotes.

Submission:

CeGaT Center for Human Genetics Tuebingen
Classification: Likely benign. Last evaluated: 2026-01-01. Review status: criteria provided, single submitter. Criteria: CeGaT Center For Human Genetics Tuebingen Variant Classification Criteria Version 2. Collection method: clinical testing. Allele origin: germline. Affected: yes. Observed: 1 variant allele.
Comment: AHNAK2: BP4, BP7